The following is an entry in ClinVar:

NM_001349798.2(FBXW7):c.378T>A (p.Asp126Glu)

Gene: FBXW7 (F-box and WD repeat domain containing 7; minus strand). Cytogenetic location: 4q31.3.
Variant type: single nucleotide variant.
Coding change: c.378T>A on transcript NM_001349798.2 (MANE Select); coding-DNA position 378, T replaced by A.
Protein change: p.Asp126Glu; replaces aspartic acid 126 with glutamic acid.
Molecular consequence: missense variant.
Genome position (GRCh38, 1-based): chr4:152,411,426, A>T on the plus strand (T>A on the coding strand, the complement: FBXW7 is on the minus strand). VCF-style: chr4-152411426-A-T. GRCh37 (hg19) VCF-style: chr4-153332578-A-T.
Other names: c.378T>A, p.Asp126Glu (NM_001257069.1, NM_033632.3); short protein forms D126E.
Identifiers: ClinVar variation 2879477 (VCV002879477.3), dbSNP rs936075666, ClinGen allele CA108595454.

ClinVar aggregate classification (germline): Uncertain significance (1 of 4 stars; one submission).

Allele frequency attached by ClinVar (database versions not stated): gnomAD exomes below 0.00001.
gnomAD v4.1: 1 of 1,613,524 alleles (0.000062%); highest among the groups gnomAD compares: Non-Finnish European, 0.000085%; no homozygotes.

Submission:

Labcorp Genetics (formerly Invitae), Labcorp
Classification: Uncertain significance. Last evaluated: 2022-12-29. Review status: criteria provided, single submitter. Criteria: Invitae Variant Classification Sherloc (09022015). Collection method: clinical testing. Allele origin: germline.
Comment: In summary, the available evidence is currently insufficient to determine the role of this variant in disease. Therefore, it has been classified as a Variant of Uncertain Significance. Algorithms developed to predict the effect of missense changes on protein structure and function are either unavailable or do not agree on the potential impact of this missense change (SIFT: "Tolerated"; PolyPhen-2: "Not Available"; Align-GVGD: "Class C0"). This variant has not been reported in the literature in individuals affected with FBXW7-related conditions. This variant is not present in population databases (gnomAD no frequency). This sequence change replaces aspartic acid, which is acidic and polar, with glutamic acid, which is acidic and polar, at codon 126 of the FBXW7 protein (p.Asp126Glu).